The following is an entry in ClinVar:

NM_014270.5(SLC7A9):c.148G>A (p.Val50Ile)

Gene: SLC7A9 (solute carrier family 7 member 9; minus strand). Cytogenetic location: 19q13.11.
Variant type: single nucleotide variant.
Coding change: c.148G>A on transcript NM_014270.5 (MANE Select); coding-DNA position 148, G replaced by A.
Protein change: p.Val50Ile; replaces valine 50 with isoleucine.
Molecular consequence: missense variant.
Genome position (GRCh38, 1-based): chr19:32,864,716, C>T on the plus strand (G>A on the coding strand, the complement: SLC7A9 is on the minus strand). VCF-style: chr19-32864716-C-T. GRCh37 (hg19) VCF-style: chr19-33355622-C-T.
Other names: c.148G>A, p.Val50Ile (NM_001126335.2, NM_001243036.2); short protein forms V50I.
Identifiers: ClinVar variation 3583624 (VCV003583624.3).

ClinVar aggregate classification (germline): Uncertain significance. Review status: criteria provided, multiple submitters, no conflicts (2 of 4 stars). 2 submissions from 2 submitters: Uncertain significance (2). Last evaluated 2024-08-31.

Conditions:
Cystinuria (CSNU). Also called: CYSTINURIA, TYPE I; CYSTINURIA, TYPE II; CYSTINURIA, TYPE III; Cystinuria, non-type I. Identifiers: Orphanet 214, MedGen C0010691, MONDO:0009067, OMIM 220100, HP:0003131.

gnomAD v4.1: 24 of 1,614,170 alleles (0.0015%); highest among the groups gnomAD compares: Middle Eastern, 0.016%; no homozygotes.

Submissions (2):

Labcorp Genetics (formerly Invitae), Labcorp
Classification: Uncertain significance. Last evaluated: 2024-08-31. Review status: criteria provided, single submitter. Criteria: Invitae Variant Classification Sherloc (09022015). Collection method: clinical testing. Allele origin: germline.
Comment: This sequence change replaces valine, which is neutral and non-polar, with isoleucine, which is neutral and non-polar, at codon 50 of the SLC7A9 protein (p.Val50Ile). This variant is present in population databases (rs549160267, gnomAD 0.006%). This variant has not been reported in the literature in individuals affected with SLC7A9-related conditions. Invitae Evidence Modeling of protein sequence and biophysical properties (such as structural, functional, and spatial information, amino acid conservation, physicochemical variation, residue mobility, and thermodynamic stability) indicates that this missense variant is not expected to disrupt SLC7A9 protein function with a negative predictive value of 80%. In summary, the available evidence is currently insufficient to determine the role of this variant in disease. Therefore, it has been classified as a Variant of Uncertain Significance.

Fulgent Genetics
Classification: Uncertain significance for Cystinuria. Last evaluated: 2024-05-31. Review status: criteria provided, single submitter. Criteria: ACMG Guidelines, 2015. Collection method: clinical testing. Allele origin: germline.